The following is an entry in ClinVar:

NM_017763.6(RNF43):c.538C>G (p.Gln180Glu)

Gene: RNF43 (ring finger protein 43; minus strand). Cytogenetic location: 17q22.
Variant type: single nucleotide variant.
Coding change: c.538C>G on transcript NM_017763.6 (MANE Select); coding-DNA position 538, C replaced by G.
Protein change: p.Gln180Glu; replaces glutamine 180 with glutamic acid.
Molecular consequence: missense variant.
Genome position (GRCh38, 1-based): chr17:58,363,319, G>C on the plus strand (C>G on the coding strand, the complement: RNF43 is on the minus strand). VCF-style: chr17-58363319-G-C. GRCh37 (hg19) VCF-style: chr17-56440680-G-C.
Other names: c.538C>G, p.Gln180Glu (NM_001305544.3); c.157C>G, p.Gln53Glu (NM_001305545.2); short protein forms Q53E, Q180E.
Identifiers: ClinVar variation 2336115 (VCV002336115.7), dbSNP rs759809905, ClinGen allele CA8673390.

ClinVar aggregate classification (germline): Uncertain significance. Review status: criteria provided, multiple submitters, no conflicts (2 of 4 stars). 3 submissions from 3 submitters: Uncertain significance (3). Last evaluated 2025-10-01.

Conditions:
Sessile serrated polyposis cancer syndrome (SSPCS). Identifiers: Orphanet 157798, MedGen C4310714, MONDO:0014919, OMIM 617108.

Allele frequency attached by ClinVar (database versions not stated): TOPMed 0.00001; ExAC 0.00001.
gnomAD v4.1: 5 of 1,614,104 alleles (0.00031%); highest among the groups gnomAD compares: South Asian, 0.0011%; no homozygotes.

Submissions (3):

Labcorp Genetics (formerly Invitae), Labcorp
Classification: Uncertain significance. Last evaluated: 2025-10-01. Review status: criteria provided, single submitter. Criteria: Invitae Variant Classification Sherloc (09022015). Collection method: clinical testing. Allele origin: germline.
Comment: This sequence change replaces glutamine, which is neutral and polar, with glutamic acid, which is acidic and polar, at codon 180 of the RNF43 protein (p.Gln180Glu). This variant is present in population databases (rs759809905, gnomAD 0.008%). This variant has not been reported in the literature in individuals affected with RNF43-related conditions. ClinVar contains an entry for this variant (Variation ID: 2336115). An algorithm developed to predict the effect of missense changes on protein structure and function (PolyPhen-2) suggests that this variant is likely to be tolerated. In summary, the available evidence is currently insufficient to determine the role of this variant in disease. Therefore, it has been classified as a Variant of Uncertain Significance.

Ambry Genetics
Classification: Uncertain significance. Last evaluated: 2025-08-14. Review status: criteria provided, single submitter. Criteria: Ambry Variant Classification Scheme 2023. Collection method: clinical testing. Allele origin: germline.
Comment: The p.Q180E variant (also known as c.538C>G), located in coding exon 4 of the RNF43 gene, results from a C to G substitution at nucleotide position 538. The glutamine at codon 180 is replaced by glutamic acid, an amino acid with highly similar properties. This amino acid position is conserved. In addition, this alteration is predicted to be tolerated by in silico analysis. Based on the available evidence, the clinical significance of this variant remains unclear.

Baylor Genetics
Classification: Uncertain significance for Sessile serrated polyposis cancer syndrome. Last evaluated: 2023-05-15. Review status: criteria provided, single submitter. Criteria: ACMG Guidelines, 2015. Collection method: clinical testing. Allele origin: unknown.